The following is an entry in ClinVar:

NM_001939.3(DRP2):c.2241C>T (p.Asp747=)

Gene: DRP2 (dystrophin related protein 2; plus strand). Cytogenetic location: Xq22.1.
Variant type: single nucleotide variant.
Coding change: c.2241C>T on transcript NM_001939.3 (MANE Select); coding-DNA position 2241, C replaced by T.
Protein change: p.Asp747=; no amino-acid change (aspartic acid 747 retained).
Molecular consequence: synonymous variant.
Genome position (GRCh38, 1-based): chrX:101,255,244, C>T. VCF-style: chrX-101255244-C-T. GRCh37 (hg19) VCF-style: chrX-100510233-C-T.
Other names: c.2007C>T, p.Asp669= (NM_001171184.2); c.2241C>T (NM_001939.2).
Identifiers: ClinVar variation 1639693 (VCV001639693.10), dbSNP rs199814558, ClinGen allele CA333091966.
Genomic context (GRCh38, chrX:101,255,244, plus strand): 5'-GCTTGCTGAGATGGAAAGTCAAAATTGCTCCTTCTTTAATGACAGCTTGTCCCCAGATGA[C>T]AGCATGTGAGTTTCCACAGCTGCTTATTTGCCAGAAATAGTTCTCCTTGAGATCTTTGTG-3'
Protein context (NP_001930.2, residues 737-757): SFFNDSLSPD[Asp747=]SIDEDQYLLR

ClinVar aggregate classification (germline): Likely benign. Review status: criteria provided, single submitter (1 of 4 stars). 2 submissions from 2 submitters: Likely benign (1). 1 of the submissions does not count toward it. Last evaluated 2025-09-27.

Conditions:
DRP2-related disorder. Also called: DRP2-related condition.

Allele frequency attached by ClinVar (database versions not stated): gnomAD 0.00001; TOPMed 0.00001; gnomAD exomes 0.00006.
gnomAD v4.1: 61 of 1,208,320 alleles (0.005%); highest among the groups gnomAD compares: Non-Finnish European, 0.0065%; no homozygotes.

Submissions (2):

Labcorp Genetics (formerly Invitae), Labcorp
Classification: Likely benign. Last evaluated: 2025-09-27. Review status: criteria provided, single submitter. Criteria: Invitae Variant Classification Sherloc (09022015). Collection method: clinical testing. Allele origin: germline.

PreventionGenetics, part of Exact Sciences
Classification: Likely benign for DRP2-related condition. Last evaluated: 2019-05-21. Review status: no assertion criteria provided. Collection method: clinical testing. Allele origin: germline. Not counted in ClinVar's aggregate classification.
Comment: This variant is classified as likely benign based on ACMG/AMP sequence variant interpretation guidelines (Richards et al. 2015 PMID: 25741868, with internal and published modifications).